The following is an entry in ClinVar:

ClinVar aggregate classification (germline): Likely benign (1 of 4 stars; one submission).

Submission:

GeneDx
Classification: Likely benign. Last evaluated: 2017-05-26. Review status: criteria provided, single submitter. Criteria: GeneDx Variant Classification (06012015). Collection method: clinical testing. Allele origin: germline. Affected: yes.
Comment: This variant is considered likely benign or benign based on one or more of the following criteria: it is a conservative change, it occurs at a poorly conserved position in the protein, it is predicted to be benign by multiple in silico algorithms, and/or has population frequency not consistent with disease.

NM_000391.3(TPP1):c.-33C>T

Gene: TPP1 (tripeptidyl peptidase 1; minus strand). Cytogenetic location: 11p15.4.
Variant type: single nucleotide variant.
Coding change: c.-33C>T on transcript NM_000391.3; 33 bases upstream of the start codon, C replaced by T.
Genome position (GRCh38, 1-based): chr11:6,619,433, G>A on the plus strand (C>T on the coding strand, the complement: TPP1 is on the minus strand). VCF-style: chr11-6619433-G-A. GRCh37 (hg19) VCF-style: chr11-6640664-G-A.
Identifiers: ClinVar variation 509797 (VCV000509797.3), dbSNP rs757508432, ClinGen allele CA5859120.
Genomic context (GRCh38, chr11:6,619,433, plus strand): 5'-CAATTTCTCACCAGGCTTGGAGTCCCATTCTGCCCTTCCGCGGATCTGCTGTCATGTGAC[G>A]GATCACATGAGCTCTATATTCCACCACCACTACCCCTCTGCCTAGTAACTAGTGACGGTA-3'